The following is an entry in ClinVar:

NM_201550.4(LRRC10):c.638G>C (p.Ser213Thr)

Gene: LRRC10 (leucine rich repeat containing 10; minus strand). Cytogenetic location: 12q15.
Variant type: single nucleotide variant.
Coding change: c.638G>C on transcript NM_201550.4 (MANE Select); coding-DNA position 638, G replaced by C.
Protein change: p.Ser213Thr; replaces serine 213 with threonine.
Molecular consequence: missense variant.
Genome position (GRCh38, 1-based): chr12:69,610,201, C>G on the plus strand (G>C on the coding strand, the complement: LRRC10 is on the minus strand). VCF-style: chr12-69610201-C-G. GRCh37 (hg19) VCF-style: chr12-70003981-C-G.
Other names: short protein forms S213T.
Identifiers: ClinVar variation 4790378 (VCV004790378.1).

ClinVar aggregate classification (germline): Uncertain significance (1 of 4 stars; one submission).

Submission:

Labcorp Genetics (formerly Invitae), Labcorp
Classification: Uncertain significance. Last evaluated: 2025-05-04. Review status: criteria provided, single submitter. Criteria: Invitae Variant Classification Sherloc (09022015). Collection method: clinical testing. Allele origin: germline.
Comment: This sequence change replaces serine, which is neutral and polar, with threonine, which is neutral and polar, at codon 213 of the LRRC10 protein (p.Ser213Thr). This variant is not present in population databases (gnomAD no frequency). This variant has not been reported in the literature in individuals affected with LRRC10-related conditions. An algorithm developed to predict the effect of missense changes on protein structure and function (PolyPhen-2) suggests that this variant is likely to be tolerated. In summary, the available evidence is currently insufficient to determine the role of this variant in disease. Therefore, it has been classified as a Variant of Uncertain Significance.